The following is an entry in ClinVar:

ClinVar aggregate classification (germline): Likely benign. Review status: criteria provided, multiple submitters, no conflicts (2 of 4 stars). 5 submissions from 5 submitters: Likely benign (4). 1 of the submissions does not count toward it. Last evaluated 2025-07-24.

Conditions:
CACNA1C-related disorder. Also called: CACNA1C-related condition; CACNA1C-related disorders. Identifiers: MedGen CN381092, MONDO:0700321.
Cardiovascular phenotype. Identifiers: MedGen CN230736.
Long QT syndrome (LQTS). Identifiers: MedGen C0023976, MeSH D008133, MONDO:0002442. Disease mechanism: loss of function. Inheritance: Various modes of inheritance.

Allele frequency attached by ClinVar (database versions not stated): gnomAD 0.00001; gnomAD exomes 0.00001; TOPMed 0.00001; 1000 Genomes Project 0.00020; 1000 Genomes Project 30x 0.00016; ExAC 0.00001.
gnomAD v4.1: 20 of 1,610,552 alleles (0.0012%); highest among the groups gnomAD compares: Middle Eastern, 0.05%; no homozygotes.

Submissions (5):

Molecular Diagnostic Laboratory for Inherited Cardiovascular Disease, Montreal Heart Institute
Classification: Likely benign. Last evaluated: 2025-07-24. Review status: criteria provided, single submitter. Criteria: ACMG Guidelines, 2015. Collection method: clinical testing. Allele origin: germline. Affected: no.

Labcorp Genetics (formerly Invitae), Labcorp
Classification: Likely benign for Long QT syndrome. Last evaluated: 2025-05-04. Review status: criteria provided, single submitter. Criteria: Invitae Variant Classification Sherloc (09022015). Collection method: clinical testing. Allele origin: germline.

ARUP Laboratories, Molecular Genetics and Genomics, ARUP Laboratories
Classification: Likely benign. Last evaluated: 2024-11-12. Review status: criteria provided, single submitter. Criteria: ARUP Molecular Germline Variant Investigation Process 2024. Collection method: clinical testing. Allele origin: germline.

Ambry Genetics
Classification: Likely benign for Cardiovascular phenotype. Last evaluated: 2021-02-04. Review status: criteria provided, single submitter. Criteria: Ambry Variant Classification Scheme 2023. Collection method: clinical testing. Allele origin: germline.

PreventionGenetics, part of Exact Sciences
Classification: Likely benign for CACNA1C-related condition. Last evaluated: 2019-10-24. Review status: no assertion criteria provided. Collection method: clinical testing. Allele origin: germline. Not counted in ClinVar's aggregate classification.
Comment: This variant is classified as likely benign based on ACMG/AMP sequence variant interpretation guidelines (Richards et al. 2015 PMID: 25741868, with internal and published modifications).

NM_000719.7(CACNA1C):c.5568A>G (p.Thr1856=)

Genes: CACNA1C (calcium voltage-gated channel subunit alpha1 C; plus strand), CACNA1C-AS1 (CACNA1C antisense RNA 1; minus strand). Cytogenetic location: 12p13.33.
Variant type: single nucleotide variant.
Coding change: c.5568A>G on transcript NM_000719.7 (MANE Select); coding-DNA position 5568, A replaced by G.
Protein change: p.Thr1856=; no amino-acid change (threonine 1856 retained).
Molecular consequence: synonymous variant.
Genome position (GRCh38, 1-based): chr12:2,682,673, A>G. VCF-style: chr12-2682673-A-G. GRCh37 (hg19) VCF-style: chr12-2791839-A-G.
Other names: c.5712A>G, p.Thr1904= (NM_001129827.2); c.5691A>G, p.Thr1897= (NM_001129829.2); c.5673A>G, p.Thr1891= (NM_001129830.3, NM_001167624.3); c.5652A>G, p.Thr1884= (NM_001129831.2); c.5628A>G, p.Thr1876= (NM_001129832.2); c.5625A>G, p.Thr1875= (NM_001129833.2, NM_001129834.2, NM_001129835.2); c.5619A>G, p.Thr1873= (NM_001129836.2); c.5592A>G, p.Thr1864= (NM_001129837.2, NM_001129838.2); and 7 more.
Identifiers: ClinVar variation 740364 (VCV000740364.17), dbSNP rs113417515, ClinGen allele CA6389885.
Genomic context (GRCh38, chr12:2,682,673, plus strand): 5'-CTATGAAGTGAAGATGAACCATGACACGGAGGCCTGCAGTGAGCCCAGCCTGCTCTCCAC[A>G]GAGATGTGAGCTCTGCTGCCCTCTGCTGAGGCTGACCCAAGTGTGGGAACAAATGTGGGG-3'
Protein context (NP_000710.5, residues 1846-1866): EACSEPSLLS[Thr1856=]EMLSYQDDEN